The following is an entry in ClinVar:

ClinVar aggregate classification (germline): Uncertain significance (1 of 4 stars; one submission).

Conditions:
Dyskeratosis congenita, autosomal recessive 6 (DKCB6). Identifiers: MedGen C4225356, MONDO:0014600, OMIM 616353.
Pulmonary fibrosis and/or bone marrow failure, Telomere-related, 4. Also called: PULMONARY FIBROSIS AND/OR BONE MARROW FAILURE SYNDROME, TELOMERE-RELATED, 4. Identifiers: Orphanet 2032, MedGen C4225347, MONDO:0014612, OMIM 616371.

Submission:

Labcorp Genetics (formerly Invitae), Labcorp
Classification: Uncertain significance for Dyskeratosis congenita, autosomal recessive 6; Pulmonary fibrosis and/or bone marrow failure, Telomere-related, 4. Last evaluated: 2022-11-18. Review status: criteria provided, single submitter. Criteria: Invitae Variant Classification Sherloc (09022015). Collection method: clinical testing. Allele origin: germline.
Comment: This variant is not present in population databases (gnomAD no frequency). In summary, the available evidence is currently insufficient to determine the role of this variant in disease. Therefore, it has been classified as a Variant of Uncertain Significance. Advanced modeling of protein sequence and biophysical properties (such as structural, functional, and spatial information, amino acid conservation, physicochemical variation, residue mobility, and thermodynamic stability) performed at Invitae indicates that this missense variant is expected to disrupt PARN protein function. This variant has not been reported in the literature in individuals affected with PARN-related conditions. This sequence change replaces aspartic acid, which is acidic and polar, with valine, which is neutral and non-polar, at codon 103 of the PARN protein (p.Asp103Val).

NM_002582.4(PARN):c.308A>T (p.Asp103Val)

Gene: PARN (poly(A)-specific ribonuclease; minus strand). Cytogenetic location: 16p13.12.
Variant type: single nucleotide variant.
Coding change: c.308A>T on transcript NM_002582.4 (MANE Select); coding-DNA position 308, A replaced by T.
Protein change: p.Asp103Val; replaces aspartic acid 103 with valine.
Molecular consequence: missense variant.
Genome position (GRCh38, 1-based): chr16:14,627,125, T>A on the plus strand (A>T on the coding strand, the complement: PARN is on the minus strand). VCF-style: chr16-14627125-T-A. GRCh37 (hg19) VCF-style: chr16-14720982-T-A.
Other names: c.125A>T, p.Asp42Val (NM_001134477.3); c.170A>T, p.Asp57Val (NM_001242992.2); short protein forms D103V, D42V, D57V.
Identifiers: ClinVar variation 2941295 (VCV002941295.3), dbSNP rs1225169468, ClinGen allele CA394815766.